The following is an entry in ClinVar:

ClinVar aggregate classification (germline): Uncertain significance. Review status: criteria provided, multiple submitters, no conflicts (2 of 4 stars). 2 submissions from 2 submitters: Uncertain significance (2). Last evaluated 2024-04-02.

gnomAD v4.1: 10 of 1,614,168 alleles (0.00062%); highest among the groups gnomAD compares: Admixed American, 0.0017%; no homozygotes.

Submissions (2):

Labcorp Genetics (formerly Invitae), Labcorp
Classification: Uncertain significance. Last evaluated: 2024-04-02. Review status: criteria provided, single submitter. Criteria: Invitae Variant Classification Sherloc (09022015). Collection method: clinical testing. Allele origin: germline.
Comment: This sequence change replaces aspartic acid, which is acidic and polar, with tyrosine, which is neutral and polar, at codon 1228 of the MTOR protein (p.Asp1228Tyr). This variant is present in population databases (rs775325303, gnomAD 0.0009%). This variant has not been reported in the literature in individuals affected with MTOR-related conditions. Advanced modeling of protein sequence and biophysical properties (such as structural, functional, and spatial information, amino acid conservation, physicochemical variation, residue mobility, and thermodynamic stability) performed at Invitae indicates that this missense variant is not expected to disrupt MTOR protein function with a negative predictive value of 95%. In summary, the available evidence is currently insufficient to determine the role of this variant in disease. Therefore, it has been classified as a Variant of Uncertain Significance.

Blueprint Genetics
Classification: Uncertain significance. Last evaluated: 2022-01-28. Review status: criteria provided, single submitter. Criteria: ACMG Guidelines, 2015. Collection method: clinical testing. Allele origin: germline.

NM_004958.4(MTOR):c.3682G>T (p.Asp1228Tyr)

Gene: MTOR (mechanistic target of rapamycin kinase; minus strand). Cytogenetic location: 1p36.22.
Variant type: single nucleotide variant.
Coding change: c.3682G>T on transcript NM_004958.4 (MANE Select); coding-DNA position 3682, G replaced by T.
Protein change: p.Asp1228Tyr; replaces aspartic acid 1228 with tyrosine.
Molecular consequence: missense variant.
Genome position (GRCh38, 1-based): chr1:11,209,431, C>A on the plus strand (G>T on the coding strand, the complement: MTOR is on the minus strand). VCF-style: chr1-11209431-C-A. GRCh37 (hg19) VCF-style: chr1-11269488-C-A.
Other names: c.3682G>T, p.Asp1228Tyr (NM_001386500.1); c.2434G>T, p.Asp812Tyr (NM_001386501.1); short protein forms D812Y, D1228Y.
Identifiers: ClinVar variation 3655975 (VCV003655975.3).